The following is an entry in ClinVar:

ClinVar aggregate classification (germline): Uncertain significance. Review status: criteria provided, multiple submitters, no conflicts (2 of 4 stars). 2 submissions from 2 submitters: Uncertain significance (2). Last evaluated 2025-04-25.

Conditions:
Inborn genetic diseases. Identifiers: MedGen C0950123, MeSH D030342.

Allele frequency attached by ClinVar (database versions not stated): ExAC 0.00001; gnomAD 0.00001; gnomAD exomes 0.00001; TOPMed 0.00001.
gnomAD v4.1: 15 of 1,613,920 alleles (0.00093%); highest among the groups gnomAD compares: Admixed American, 0.005%; no homozygotes.

Submissions (2):

Ambry Genetics
Classification: Uncertain significance for Inborn genetic diseases. Last evaluated: 2025-04-25. Review status: criteria provided, single submitter. Criteria: Ambry Variant Classification Scheme 2023. Collection method: clinical testing. Allele origin: germline.
Comment: The p.P231L variant (also known as c.692C>T), located in coding exon 5 of the MECOM gene, results from a C to T substitution at nucleotide position 692. The proline at codon 231 is replaced by leucine, an amino acid with similar properties. This amino acid position is conserved. In addition, the in silico prediction for this alteration is inconclusive. Based on the available evidence, the clinical significance of this variant remains unclear.

Labcorp Genetics (formerly Invitae), Labcorp
Classification: Uncertain significance. Last evaluated: 2023-12-18. Review status: criteria provided, single submitter. Criteria: Invitae Variant Classification Sherloc (09022015). Collection method: clinical testing. Allele origin: germline.
Comment: This sequence change replaces proline, which is neutral and non-polar, with leucine, which is neutral and non-polar, at codon 43 of the MECOM protein (p.Pro43Leu). This variant is present in population databases (rs778191764, gnomAD 0.003%). This variant has not been reported in the literature in individuals affected with MECOM-related conditions. ClinVar contains an entry for this variant (Variation ID: 2042601). An algorithm developed to predict the effect of missense changes on protein structure and function (PolyPhen-2) suggests that this variant is likely to be disruptive. In summary, the available evidence is currently insufficient to determine the role of this variant in disease. Therefore, it has been classified as a Variant of Uncertain Significance.

NM_004991.4(MECOM):c.692C>T (p.Pro231Leu)

Gene: MECOM (MDS1 and EVI1 complex locus; minus strand). Cytogenetic location: 3q26.2.
Variant type: single nucleotide variant.
Coding change: c.692C>T on transcript NM_004991.4 (MANE Select); coding-DNA position 692, C replaced by T.
Protein change: p.Pro231Leu; replaces proline 231 with leucine.
Molecular consequence: missense variant.
Genome position (GRCh38, 1-based): chr3:169,127,982, G>A on the plus strand (C>T on the coding strand, the complement: MECOM is on the minus strand). VCF-style: chr3-169127982-G-A. GRCh37 (hg19) VCF-style: chr3-168845770-G-A.
Other names: c.320C>T, p.Pro107Leu (NM_001105077.4); c.128C>T, p.Pro43Leu (NM_001105078.4, NM_001163999.2, NM_001164000.2 and 9 more transcripts); c.692C>T, p.Pro231Leu (NM_001366466.2, NM_001366473.2); c.692C>T (NM_004991.3); short protein forms P43L, P231L, P107L.
Identifiers: ClinVar variation 2042601 (VCV002042601.5), dbSNP rs778191764, ClinGen allele CA2696491.
Genomic context (GRCh38, chr3:169,127,982, plus strand): 5'-TCGAGTTTTTGCTGAAAGTCCTCTTCAACCATTGAAAATGCTGAGTGAGGAGTACTGCAT[G>A]GAAACTTTTGGTGATCTGCTAGTTCAGCCTTAGATTCAAAGAGCTGGTCACAGTCTTCGC-3'
Protein context (NP_004982.2, residues 221-241): KAELADHQKF[Pro231Leu]CSTPHSAFSM